The following is an entry in ClinVar:

NM_001257096.2(PAX1):c.1268A>C (p.His423Pro)

Gene: PAX1 (paired box 1; plus strand). Cytogenetic location: 20p11.22.
Variant type: single nucleotide variant.
Coding change: c.1268A>C on transcript NM_001257096.2 (MANE Select); coding-DNA position 1268, A replaced by C.
Protein change: p.His423Pro; replaces histidine 423 with proline.
Molecular consequence: missense variant.
Genome position (GRCh38, 1-based): chr20:21,709,430, A>C. VCF-style: chr20-21709430-A-C. GRCh37 (hg19) VCF-style: chr20-21690068-A-C.
Other names: c.1268A>C, p.His423Pro (NM_006192.5); c.1268A>C (NM_006192.3); short protein forms H423P.
Identifiers: ClinVar variation 1393143 (VCV001393143.8), dbSNP rs752031765, ClinGen allele CA9786737.

ClinVar aggregate classification (germline): Uncertain significance. Review status: criteria provided, multiple submitters, no conflicts (2 of 4 stars). 2 submissions from 2 submitters: Uncertain significance (2). Last evaluated 2025-09-22.

Conditions:
Inborn genetic diseases. Identifiers: MedGen C0950123, MeSH D030342.

Allele frequency attached by ClinVar (database versions not stated): gnomAD 0.00001 and 0.00002; gnomAD exomes 0.00001 and 0.00003; TOPMed 0.00005; ExAC 0.00012.
gnomAD v4.1: 40 of 1,531,850 alleles (0.0026%); highest among the groups gnomAD compares: Non-Finnish European, 0.0032%; no homozygotes.

Submissions (2):

Ambry Genetics
Classification: Uncertain significance for Inborn genetic diseases. Last evaluated: 2025-09-22. Review status: criteria provided, single submitter. Criteria: Ambry Variant Classification Scheme 2023. Collection method: clinical testing. Allele origin: germline.

Labcorp Genetics (formerly Invitae), Labcorp
Classification: Uncertain significance. Last evaluated: 2025-04-21. Review status: criteria provided, single submitter. Criteria: Invitae Variant Classification Sherloc (09022015). Collection method: clinical testing. Allele origin: germline.
Comment: This sequence change replaces histidine, which is basic and polar, with proline, which is neutral and non-polar, at codon 423 of the PAX1 protein (p.His423Pro). This variant is present in population databases (rs752031765, gnomAD 0.003%). This variant has not been reported in the literature in individuals affected with PAX1-related conditions. ClinVar contains an entry for this variant (Variation ID: 1393143). Invitae Evidence Modeling of protein sequence and biophysical properties (such as structural, functional, and spatial information, amino acid conservation, physicochemical variation, residue mobility, and thermodynamic stability) indicates that this missense variant is not expected to disrupt PAX1 protein function with a negative predictive value of 80%. In summary, the available evidence is currently insufficient to determine the role of this variant in disease. Therefore, it has been classified as a Variant of Uncertain Significance.